The following is an entry in ClinVar:

NM_031407.7(HUWE1):c.7518C>T (p.Pro2506=)

Gene: HUWE1 (HECT, UBA and WWE domain containing E3 ubiquitin protein ligase 1; minus strand). Cytogenetic location: Xp11.22.
Variant type: single nucleotide variant.
Coding change: c.7518C>T on transcript NM_031407.7 (MANE Select); coding-DNA position 7518, C replaced by T.
Protein change: p.Pro2506=; no amino-acid change (proline 2506 retained).
Molecular consequence: synonymous variant.
Genome position (GRCh38, 1-based): chrX:53,560,406, G>A on the plus strand (C>T on the coding strand, the complement: HUWE1 is on the minus strand). VCF-style: chrX-53560406-G-A. GRCh37 (hg19) VCF-style: chrX-53587367-G-A.
Identifiers: ClinVar variation 2660622 (VCV002660622.24), dbSNP rs782524578, ClinGen allele CA10421934.

ClinVar aggregate classification (germline): Likely benign (1 of 4 stars; one submission).

Allele frequency attached by ClinVar (database versions not stated): ExAC 0.00001.

Submission:

CeGaT Center for Human Genetics Tuebingen
Classification: Likely benign. Last evaluated: 2022-08-01. Review status: criteria provided, single submitter. Criteria: CeGaT Center For Human Genetics Tuebingen Variant Classification Criteria Version 2. Collection method: clinical testing. Allele origin: germline. Affected: yes. Observed: 1 variant allele.
Comment: HUWE1: BP4, BP7